The following is an entry in ClinVar:

ClinVar aggregate classification (germline): Pathogenic. Review status: criteria provided, multiple submitters, no conflicts (2 of 4 stars). 2 submissions from 2 submitters: Pathogenic (2). Last evaluated 2024-02-17.

Conditions:
Primary ciliary dyskinesia. Also called: Ciliary dyskinesia. Identifiers: Orphanet 244, MedGen C0008780, MONDO:0016575, HP:0012265.

Allele frequency attached by ClinVar (database versions not stated): gnomAD 0.00001.

Submissions (2):

Labcorp Genetics (formerly Invitae), Labcorp
Classification: Pathogenic for Primary ciliary dyskinesia. Last evaluated: 2024-02-17. Review status: criteria provided, single submitter. Criteria: Invitae Variant Classification Sherloc (09022015). Collection method: clinical testing. Allele origin: germline.
Comment: This sequence change creates a premature translational stop signal (p.Met2693Aspfs*3) in the DNAH11 gene. It is expected to result in an absent or disrupted protein product. Loss-of-function variants in DNAH11 are known to be pathogenic (PMID: 18022865, 20513915, 22184204). This variant is not present in population databases (gnomAD no frequency). This variant has not been reported in the literature in individuals affected with DNAH11-related conditions. ClinVar contains an entry for this variant (Variation ID: 1073724). Algorithms developed to predict the effect of sequence changes on RNA splicing suggest that this variant may disrupt the consensus splice site. For these reasons, this variant has been classified as Pathogenic.

Ambry Genetics
Classification: Pathogenic for Primary ciliary dyskinesia. Last evaluated: 2022-08-27. Review status: criteria provided, single submitter. Criteria: Ambry Variant Classification Scheme 2023. Collection method: clinical testing. Allele origin: germline.
Comment: The c.8076_8077delAA pathogenic mutation, located in coding exon 49 of the DNAH11 gene, results from a deletion of two nucleotides at nucleotide positions 8076 to 8077, causing a translational frameshift with a predicted alternate stop codon (p.M2693Dfs*3). This variant is considered to be rare based on population cohorts in the Genome Aggregation Database (gnomAD). This alteration is expected to result in loss of function by premature protein truncation or nonsense-mediated mRNA decay. As such, this alteration is interpreted as a disease-causing mutation.

Literature cited by the submitters: PubMed 18022865 (cited by Labcorp Genetics (formerly Invitae), Labcorp); PubMed 20513915 (cited by Labcorp Genetics (formerly Invitae), Labcorp); PubMed 22184204 (cited by Labcorp Genetics (formerly Invitae), Labcorp).

NM_001277115.2(DNAH11):c.8076_8077del (p.Met2693fs)

Gene: DNAH11 (dynein axonemal heavy chain 11; plus strand). Cytogenetic location: 7p15.3.
Variant type: Deletion.
Coding change: c.8076_8077del on transcript NM_001277115.2 (MANE Select); coding-DNA positions 8076 to 8077, 2 bases deleted (AA; older notation c.8076_8077delAA).
Protein change: p.Met2693fs; shifts the reading frame from methionine 2693.
Molecular consequence: frameshift variant.
Genome position (GRCh38, 1-based): chr7:21,742,088-21,742,089, AA deleted. VCF-style (leftmost placement, unchanged base first): chr7-21742087-CAA-C. GRCh37 (hg19) VCF-style: chr7-21781705-CAA-C.
Other names: short protein forms M2693fs.
Identifiers: ClinVar variation 1073724 (VCV001073724.9), dbSNP rs1785931346, ClinGen allele CA1099214911.